The following is an entry in ClinVar:

NM_001160372.4(TRAPPC9):c.2796C>T (p.Ala932=)

Gene: TRAPPC9 (trafficking protein particle complex subunit 9; minus strand). Cytogenetic location: 8q24.3.
Variant type: single nucleotide variant.
Coding change: c.2796C>T on transcript NM_001160372.4 (MANE Select); coding-DNA position 2796, C replaced by T.
Protein change: p.Ala932=; no amino-acid change (alanine 932 retained).
Molecular consequence: synonymous variant. On other transcripts: non-coding transcript variant (1), intron variant (1).
Genome position (GRCh38, 1-based): chr8:139,988,740, G>A on the plus strand (C>T on the coding strand, the complement: TRAPPC9 is on the minus strand). VCF-style: chr8-139988740-G-A. GRCh37 (hg19) VCF-style: chr8-140998948-G-A.
Other names: c.2769C>T, p.Ala923= (NM_001321646.2); c.2817C>T, p.Ala939= (NM_001374682.1); c.2652C>T, p.Ala884= (NM_001374684.1); c.2796C>T, p.Ala932= (NM_031466.8); c.2699+35197C>T (NM_001374683.1).
Identifiers: ClinVar variation 362069 (VCV000362069.38), dbSNP rs145607512, ClinGen allele CA4892980.
Genomic context (GRCh38, chr8:139,988,740, plus strand): 5'-GGCAGAGGGTGGCCTGCGGCGGCGCGAGGGTCTATGGGACACTTACCGCTGGCACTCACC[G>A]GCGTGCAGGATGAGTGCCTCGCTGCTCCTGGTGCTGACGGTCAGCTCATGCTCGGTGGAG-3'
Protein context (NP_001153844.1, residues 922-942): TRSSEALILH[Ala932=]GECQRMAIQV

ClinVar aggregate classification (germline): Likely benign. Review status: criteria provided, multiple submitters, no conflicts (2 of 4 stars). 6 submissions from 6 submitters: Likely benign (5). 1 of the submissions does not count toward it. Last evaluated 2026-07-01.

Conditions:
TRAPPC9-related disorder. Also called: TRAPPC9-related condition.
Inborn genetic diseases. Identifiers: MedGen C0950123, MeSH D030342.

Allele frequency attached by ClinVar (database versions not stated): ESP Exome Variant Server 0.00018; gnomAD 0.00038 and 0.00039; TOPMed 0.00038; gnomAD exomes 0.00055; ExAC 0.00075.
gnomAD v4.1: 569 of 1,549,832 alleles (0.037%); highest among the groups gnomAD compares: Middle Eastern, 0.071%; 1 homozygote.

Submissions (6):

CeGaT Center for Human Genetics Tuebingen
Classification: Likely benign. Last evaluated: 2026-07-01. Review status: criteria provided, single submitter. Criteria: CeGaT Center For Human Genetics Tuebingen Variant Classification Criteria Version 2. Collection method: clinical testing. Allele origin: germline. Affected: yes. Observed: 3 variant alleles.
Comment: TRAPPC9: BP4, BP7

Labcorp Genetics (formerly Invitae), Labcorp
Classification: Likely benign. Last evaluated: 2025-11-05. Review status: criteria provided, single submitter. Criteria: Invitae Variant Classification Sherloc (09022015). Collection method: clinical testing. Allele origin: germline.

Blueprint Genetics
Classification: Likely benign. Last evaluated: 2024-11-13. Review status: criteria provided, single submitter. Criteria: ACMG Guidelines, 2015. Collection method: clinical testing. Allele origin: germline.

Ambry Genetics
Classification: Likely benign for Inborn genetic diseases. Last evaluated: 2017-11-02. Review status: criteria provided, single submitter. Criteria: Ambry Variant Classification Scheme 2023. Collection method: clinical testing. Allele origin: germline.

Genetic Services Laboratory, University of Chicago
Classification: Likely benign. Last evaluated: 2016-12-16. Review status: criteria provided, single submitter. Criteria: ACMG Guidelines, 2015. Collection method: clinical testing. Allele origin: germline. Affected: no.

PreventionGenetics, part of Exact Sciences
Classification: Likely benign for TRAPPC9-related condition. Last evaluated: 2024-07-16. Review status: no assertion criteria provided. Collection method: clinical testing. Allele origin: germline. Not counted in ClinVar's aggregate classification.
Comment: This variant is classified as likely benign based on ACMG/AMP sequence variant interpretation guidelines (Richards et al. 2015 PMID: 25741868, with internal and published modifications).